The following is an entry in ClinVar:

ClinVar aggregate classification (germline): Pathogenic (1 of 4 stars; one submission).

Submission:

GeneDx
Classification: Pathogenic. Last evaluated: 2025-05-27. Review status: criteria provided, single submitter. Criteria: GeneDx Variant Classification Process June 2021. Collection method: clinical testing. Allele origin: germline. Affected: yes.
Comment: Nonsense variant predicted to result in protein truncation or nonsense mediated decay in a gene for which loss of function is a known mechanism of disease; Not observed at significant frequency in large population cohorts (gnomAD); Has not been previously published as pathogenic or benign to our knowledge

NM_014991.6(WDFY3):c.3442C>T (p.Arg1148Ter)

Gene: WDFY3 (WD repeat and FYVE domain containing 3; minus strand). Cytogenetic location: 4q21.23.
Variant type: single nucleotide variant.
Coding change: c.3442C>T on transcript NM_014991.6 (MANE Select); coding-DNA position 3442, C replaced by T.
Protein change: p.Arg1148Ter; replaces arginine 1148 with a stop codon.
Molecular consequence: nonsense.
Genome position (GRCh38, 1-based): chr4:84,794,564, G>A on the plus strand (C>T on the coding strand, the complement: WDFY3 is on the minus strand). VCF-style: chr4-84794564-G-A. GRCh37 (hg19) VCF-style: chr4-85715717-G-A.
Other names: short protein forms R1148*.
Identifiers: ClinVar variation 1343934 (VCV001343934.4), dbSNP rs750692650, ClinGen allele CA357559214.